The following is an entry in ClinVar:

NM_000297.4(PKD2):c.152G>A (p.Gly51Asp)

Genes: PKD2 (polycystin 2, transient receptor potential cation channel; plus strand), LOC129992813 (ATAC-STARR-seq lymphoblastoid silent region 15559; plus strand). Cytogenetic location: 4q22.1.
Variant type: single nucleotide variant.
Coding change: c.152G>A on transcript NM_000297.4 (MANE Select); coding-DNA position 152, G replaced by A.
Protein change: p.Gly51Asp; replaces glycine 51 with aspartic acid.
Molecular consequence: missense variant. On other transcripts: non-coding transcript variant (1).
Genome position (GRCh38, 1-based): chr4:88,007,885, G>A. VCF-style: chr4-88007885-G-A. GRCh37 (hg19) VCF-style: chr4-88929037-G-A.
Other names: short protein forms G51D.
Identifiers: ClinVar variation 3419212 (VCV003419212.4).

ClinVar aggregate classification (germline): Uncertain significance. Review status: criteria provided, multiple submitters, no conflicts (2 of 4 stars). 3 submissions from 3 submitters: Uncertain significance (3). Last evaluated 2025-02-10.

Conditions:
Autosomal dominant polycystic kidney disease. Identifiers: Orphanet 730, MedGen C0085413, MONDO:0004691.
Polycystic kidney disease 2 (PKD2). Also called: POLYCYSTIC KIDNEY DISEASE, ADULT, TYPE II; Polycystic Kidney Disease 2, Autosomal Dominant; POLYCYSTIC KIDNEY DISEASE 2 WITH OR WITHOUT POLYCYSTIC LIVER DISEASE. Identifiers: MedGen C2751306, MONDO:0013131, OMIM 613095.
Inborn genetic diseases. Identifiers: MedGen C0950123, MeSH D030342.

gnomAD v4.1: 4 of 1,373,110 alleles (0.00029%); highest among the groups gnomAD compares: South Asian, 0.0016%; no homozygotes.

Submissions (3):

Labcorp Genetics (formerly Invitae), Labcorp
Classification: Uncertain significance for Autosomal dominant polycystic kidney disease. Last evaluated: 2025-02-10. Review status: criteria provided, single submitter. Criteria: Invitae Variant Classification Sherloc (09022015). Collection method: clinical testing. Allele origin: germline.
Comment: This sequence change replaces glycine, which is neutral and non-polar, with aspartic acid, which is acidic and polar, at codon 51 of the PKD2 protein (p.Gly51Asp). This variant is not present in population databases (gnomAD no frequency). This variant has not been reported in the literature in individuals affected with PKD2-related conditions. ClinVar contains an entry for this variant (Variation ID: 3419212). An algorithm developed to predict the effect of missense changes on protein structure and function (PolyPhen-2) suggests that this variant is likely to be disruptive. In summary, the available evidence is currently insufficient to determine the role of this variant in disease. Therefore, it has been classified as a Variant of Uncertain Significance.

Ambry Genetics
Classification: Uncertain significance for Inborn genetic diseases. Last evaluated: 2024-08-27. Review status: criteria provided, single submitter. Criteria: Ambry Variant Classification Scheme 2023. Collection method: clinical testing. Allele origin: germline.

Fulgent Genetics
Classification: Uncertain significance for Polycystic kidney disease 2. Last evaluated: 2024-03-01. Review status: criteria provided, single submitter. Criteria: ACMG Guidelines, 2015. Collection method: clinical testing. Allele origin: germline.